The following is an entry in ClinVar:

ClinVar aggregate classification (germline): Likely pathogenic (0 of 4 stars; one submission).

Conditions:
Hereditary spastic paraplegia 3A (SPG3A). Also called: SPASTIC PARAPLEGIA 3, AUTOSOMAL DOMINANT; FAMILIAL SPASTIC PARAPLEGIA, AUTOSOMAL DOMINANT, 1; SPG3; STRUMPELL DISEASE; Spastic Paraplegia 3A; Spastic paraplegia 3A, autosomal dominant. Identifiers: Orphanet 100984, MedGen C2931355, MONDO:0008437, OMIM 182600.

Submission:

Fetal and Placental Pathology Unit, Hospital Habib Bougatfa
Classification: Likely pathogenic for Hereditary spastic paraplegia 3A. Review status: no assertion criteria provided. Collection method: clinical testing. Allele origin: inherited. Inheritance: Autosomal recessive inheritance. Affected: yes. Observed: 1 homozygote.
Comment: Clinical findings are suggestive, including early onset progressive spasticity and weakness of the legs, diminished vibration sense and urinary bladder hyperactivity. This splice donor variant is classified as likely pathogenic according to the recommendation of ACMG/AMP guideline (Rules met: PVS1, PM2) due to its absence in all the available population databases and the predicted loss of function. This splice donor variant is in intron 4 and is predicted to cause exon 4 skipping in a region encoding the highly conserved GTPase domain of atlastin-1. It is predicted to be deleterious by Mutation taster, DANN, BayesDel, SpliceAl, dbscSNV Ada, dbscSNV RF and GenoCanyon (Scores: 1, 1, 0.66, 0.99, 1, 0.93 and 1, respectively).

NM_015915.5(ATL1):c.522+1G>T

Gene: ATL1 (atlastin GTPase 1; plus strand). Cytogenetic location: 14q22.1.
Variant type: single nucleotide variant.
Coding change: c.522+1G>T on transcript NM_015915.5 (MANE Select); the canonical splice donor site of the intron after coding-DNA position 522, G replaced by T.
Molecular consequence: splice donor variant.
Genome position (GRCh38, 1-based): chr14:50,591,640, G>T. VCF-style: chr14-50591640-G-T. GRCh37 (hg19) VCF-style: chr14-51058358-G-T.
Other names: c.522+1G>T (NM_001127713.1, NM_181598.4).
Identifiers: ClinVar variation 2626787 (VCV002626787.4), dbSNP rs2504493819, ClinGen allele CA389667753.
Genomic context (GRCh38, chr14:50,591,640, plus strand): 5'-TCAACTTTGAGAGATTCAGCCACAGTATTTGCCCTTAGCACAATGATCAGCTCAATACAG[G>T]TATGAAATAAGCCCATTTTGATGATGTTTCTTTAACTAAAAATTATGAGTATATGTGTTT-3'